The following is an entry in ClinVar:

NM_031924.8(RSPH3):c.469G>C (p.Ala157Pro)

Gene: RSPH3 (radial spoke head 3; minus strand). Cytogenetic location: 6q25.3.
Variant type: single nucleotide variant.
Coding change: c.469G>C on transcript NM_031924.8 (MANE Select); coding-DNA position 469, G replaced by C.
Protein change: p.Ala157Pro; replaces alanine 157 with proline.
Molecular consequence: missense variant. On other transcripts: non-coding transcript variant (1), intron variant (1).
Genome position (GRCh38, 1-based): chr6:158,983,685, C>G on the plus strand (G>C on the coding strand, the complement: RSPH3 is on the minus strand). VCF-style: chr6-158983685-C-G. GRCh37 (hg19) VCF-style: chr6-159404717-C-G.
Other names: c.631-997G>C (NM_001346418.1); short protein forms A157P.
Identifiers: ClinVar variation 542473 (VCV000542473.7), dbSNP rs138202910, ClinGen allele CA4075901.
Genomic context (GRCh38, chr6:158,983,685, plus strand): 5'-AAAGATTATAGAGGGAAGCCCAAAGGATGTACTGTACCTCTCCTTCTAGTATTTGGGTGG[C>G]CACATCTTTGCCAGTTTTGGCAGGAATAAAGAGTGGTGTTGGTGGTCTGTCCAAAAATGC-3'
Protein context (NP_114130.4, residues 147-167): FIPAKTGKDV[Ala157Pro]TQILEGELFD

ClinVar aggregate classification (germline): Uncertain significance (1 of 4 stars; one submission).

Conditions:
Primary ciliary dyskinesia 32. Also called: CILIARY DYSKINESIA, PRIMARY, 32, WITHOUT SITUS INVERSUS. Identifiers: Orphanet 244, MedGen C4225311, MONDO:0014657, OMIM 616481.

Allele frequency attached by ClinVar (database versions not stated): ExAC 0.00007; gnomAD 0.00013; TOPMed 0.00018; ESP Exome Variant Server 0.00023.

Submission:

Labcorp Genetics (formerly Invitae), Labcorp
Classification: Uncertain significance for Primary ciliary dyskinesia 32. Last evaluated: 2024-11-05. Review status: criteria provided, single submitter. Criteria: Invitae Variant Classification Sherloc (09022015). Collection method: clinical testing. Allele origin: germline.
Comment: This sequence change replaces alanine, which is neutral and non-polar, with proline, which is neutral and non-polar, at codon 299 of the RSPH3 protein (p.Ala299Pro). This variant is present in population databases (rs138202910, gnomAD 0.04%). This variant has not been reported in the literature in individuals affected with RSPH3-related conditions. ClinVar contains an entry for this variant (Variation ID: 542473). An algorithm developed to predict the effect of missense changes on protein structure and function (PolyPhen-2) suggests that this variant is likely to be disruptive. In summary, the available evidence is currently insufficient to determine the role of this variant in disease. Therefore, it has been classified as a Variant of Uncertain Significance.